The following is an entry in ClinVar:

NM_000057.4(BLM):c.302G>C (p.Arg101Thr)

Gene: BLM (BLM RecQ like helicase; plus strand). Cytogenetic location: 15q26.1.
Variant type: single nucleotide variant.
Coding change: c.302G>C on transcript NM_000057.4 (MANE Select); coding-DNA position 302, G replaced by C.
Protein change: p.Arg101Thr; replaces arginine 101 with threonine.
Molecular consequence: missense variant. On other transcripts: 5 prime UTR variant (1).
Genome position (GRCh38, 1-based): chr15:90,749,570, G>C. VCF-style: chr15-90749570-G-C. GRCh37 (hg19) VCF-style: chr15-91292800-G-C.
Other names: c.302G>C, p.Arg101Thr (NM_001287246.2, NM_001287247.2); c.-990G>C (NM_001287248.2); short protein forms R101T.
Identifiers: ClinVar variation 573881 (VCV000573881.20), dbSNP rs781707344, ClinGen allele CA393840200.
Genomic context (GRCh38, chr15:90,749,570, plus strand): 5'-CAAATCAGCAAAGGGTCAAGGACTTCTTTAAAAATGCTCCAGCAGGACAGGAAACACAGA[G>C]AGGTGGATCAAAATCATTATTGCCAGATTTCTTGCAGACTCCGAAGGAAGTTGTATGCAC-3'
Protein context (NP_000048.1, residues 91-111): KNAPAGQETQ[Arg101Thr]GGSKSLLPDF

ClinVar aggregate classification (germline): Conflicting classifications of pathogenicity. Review status: criteria provided, conflicting classifications (1 of 4 stars). 4 submissions from 4 submitters: Uncertain significance (2); Benign (1). 1 of the submissions does not count toward it. Last evaluated 2025-10-30.

Conditions:
Bloom syndrome (BLM). Also called: Bloom-Torre-Machacek syndrome. Identifiers: Orphanet 125, MedGen C0005859, MONDO:0008876, OMIM 210900.
Hereditary cancer-predisposing syndrome. Also called: Neoplastic Syndromes, Hereditary; Hereditary Cancer Syndrome; Tumor predisposition; Hereditary neoplastic syndrome. Identifiers: Orphanet 140162, MedGen C0027672, MeSH D009386, MONDO:0015356.

Allele frequency attached by ClinVar (database versions not stated): gnomAD 0.00001; gnomAD exomes 0.00001; TOPMed 0.00002.
gnomAD v4.1: 11 of 1,614,054 alleles (0.00068%); highest among the groups gnomAD compares: Non-Finnish European, 0.00093%; no homozygotes.

Submissions (4):

Ambry Genetics
Classification: Uncertain significance for Hereditary cancer-predisposing syndrome. Last evaluated: 2025-10-30. Review status: criteria provided, single submitter. Criteria: Ambry Variant Classification Scheme 2023. Collection method: clinical testing. Allele origin: germline.

Labcorp Genetics (formerly Invitae), Labcorp
Classification: Uncertain significance for Bloom syndrome. Last evaluated: 2025-09-27. Review status: criteria provided, single submitter. Criteria: Invitae Variant Classification Sherloc (09022015). Collection method: clinical testing. Allele origin: germline.
Comment: This sequence change replaces arginine, which is basic and polar, with threonine, which is neutral and polar, at codon 101 of the BLM protein (p.Arg101Thr). This variant is present in population databases (no rsID available, gnomAD 0.0009%). This variant has not been reported in the literature in individuals affected with BLM-related conditions. ClinVar contains an entry for this variant (Variation ID: 573881). An algorithm developed to predict the effect of missense changes on protein structure and function (PolyPhen-2) suggests that this variant is likely to be tolerated. In summary, the available evidence is currently insufficient to determine the role of this variant in disease. Therefore, it has been classified as a Variant of Uncertain Significance.

Mendelics
Classification: Benign. Last evaluated: 2022-05-04. Review status: criteria provided, single submitter. Criteria: Mendelics Assertion Criteria 2019. Collection method: clinical testing. Allele origin: germline.

Natera, Inc.
Classification: Uncertain significance for Bloom syndrome. Last evaluated: 2018-10-15. Review status: no assertion criteria provided. Collection method: clinical testing. Allele origin: germline. Not counted in ClinVar's aggregate classification.